The following is an entry in ClinVar:

ClinVar aggregate classification (germline): Uncertain significance (1 of 4 stars; one submission).

Allele frequency attached by ClinVar (database versions not stated): gnomAD exomes below 0.00001.
gnomAD v4.1: 1 of 1,607,746 alleles (0.000062%); highest among the groups gnomAD compares: South Asian, 0.0011%; no homozygotes.

Submission:

Labcorp Genetics (formerly Invitae), Labcorp
Classification: Uncertain significance. Last evaluated: 2022-02-02. Review status: criteria provided, single submitter. Criteria: Invitae Variant Classification Sherloc (09022015). Collection method: clinical testing. Allele origin: germline.
Comment: Algorithms developed to predict the effect of missense changes on protein structure and function are either unavailable or do not agree on the potential impact of this missense change (SIFT: "Deleterious"; PolyPhen-2: "Benign"; Align-GVGD: "Class C0"). This variant has not been reported in the literature in individuals affected with IMPG2-related conditions. This variant is not present in population databases (gnomAD no frequency). This sequence change replaces serine, which is neutral and polar, with leucine, which is neutral and non-polar, at codon 191 of the IMPG2 protein (p.Ser191Leu). In summary, the available evidence is currently insufficient to determine the role of this variant in disease. Therefore, it has been classified as a Variant of Uncertain Significance.

NM_016247.4(IMPG2):c.572C>T (p.Ser191Leu)

Gene: IMPG2 (interphotoreceptor matrix proteoglycan 2; minus strand). Cytogenetic location: 3q12.3.
Variant type: single nucleotide variant.
Coding change: c.572C>T on transcript NM_016247.4 (MANE Select); coding-DNA position 572, C replaced by T.
Protein change: p.Ser191Leu; replaces serine 191 with leucine.
Molecular consequence: missense variant.
Genome position (GRCh38, 1-based): chr3:101,276,675, G>A on the plus strand (C>T on the coding strand, the complement: IMPG2 is on the minus strand). VCF-style: chr3-101276675-G-A. GRCh37 (hg19) VCF-style: chr3-100995519-G-A.
Other names: short protein forms S191L.
Identifiers: ClinVar variation 2091806 (VCV002091806.4), dbSNP rs1706843510, ClinGen allele CA353868417.
Genomic context (GRCh38, chr3:101,276,675, plus strand): 5'-AACCATAAATAATTTTAAAAGAAAAGTGAATGAAGACACAAAAGTATACCTCCCAATGTT[G>A]AAGTATCACCAACAGGAACTGGAGAAGACAGTTCAGAGCTAGAAAAAAAAATGTTTGCAG-3'
Protein context (NP_057331.2, residues 181-201): LSSPVPVGDT[Ser191Leu]TLGDTTLSVP